The following is an entry in ClinVar:

ClinVar aggregate classification (germline): Uncertain significance (1 of 4 stars; one submission).

Submission:

GeneDx
Classification: Uncertain significance. Last evaluated: 2025-03-26. Review status: criteria provided, single submitter. Criteria: GeneDx Variant Classification Process June 2021. Collection method: clinical testing. Allele origin: germline. Affected: yes.
Comment: Not observed at significant frequency in large population cohorts (gnomAD); In silico analysis supports that this missense variant has a deleterious effect on protein structure/function; Has not been previously published as pathogenic or benign to our knowledge; Not located in one of the three hot-spot regions of the RYR2 gene, where the majority of pathogenic missense variants occur (PMID: 19926015); This variant is associated with the following publications: (PMID: 19926015)

NM_001035.3(RYR2):c.10633G>A (p.Glu3545Lys)

Gene: RYR2 (ryanodine receptor 2; plus strand). Cytogenetic location: 1q43.
Variant type: single nucleotide variant.
Coding change: c.10633G>A on transcript NM_001035.3 (MANE Select); coding-DNA position 10633, G replaced by A.
Protein change: p.Glu3545Lys; replaces glutamic acid 3545 with lysine.
Molecular consequence: missense variant.
Genome position (GRCh38, 1-based): chr1:237,723,206, G>A. VCF-style: chr1-237723206-G-A. GRCh37 (hg19) VCF-style: chr1-237886506-G-A.
Other names: short protein forms E3545K.
Identifiers: ClinVar variation 4088004 (VCV004088004.1).
Genomic context (GRCh38, chr1:237,723,206, plus strand): 5'-AGATGGCAAATGGCTCTTTACAAAGACTTACCAAACAGGACTGATGATACCTCAGATCCA[G>A]AGAAGACGGTAGAAAGAGTATTGGATATAGCAAATGTGCTTTTTCATCTTGAACAGGTCA-3'
Protein context (NP_001026.2, residues 3535-3555): PNRTDDTSDP[Glu3545Lys]KTVERVLDIA